The following is an entry in ClinVar:

NM_138694.4(PKHD1):c.5414A>T (p.Glu1805Val)

Gene: PKHD1 (PKHD1 ciliary IPT domain containing fibrocystin/polyductin; minus strand). Cytogenetic location: 6p12.2.
Variant type: single nucleotide variant.
Coding change: c.5414A>T on transcript NM_138694.4 (MANE Select); coding-DNA position 5414, A replaced by T.
Protein change: p.Glu1805Val; replaces glutamic acid 1805 with valine.
Molecular consequence: missense variant.
Genome position (GRCh38, 1-based): chr6:52,017,596, T>A on the plus strand (A>T on the coding strand, the complement: PKHD1 is on the minus strand). VCF-style: chr6-52017596-T-A. GRCh37 (hg19) VCF-style: chr6-51882394-T-A.
Other names: c.5414A>T, p.Glu1805Val (NM_170724.3); short protein forms E1805V.
Identifiers: ClinVar variation 3352199 (VCV003352199.4).

ClinVar aggregate classification (germline): Uncertain significance. Review status: criteria provided, multiple submitters, no conflicts (2 of 4 stars). 3 submissions from 3 submitters: Uncertain significance (2). 1 of the submissions does not count toward it. Last evaluated 2025-07-10.

Conditions:
Polycystic kidney disease 4 (PKD4). Also called: POLYCYSTIC KIDNEY AND HEPATIC DISEASE 1; POLYCYSTIC KIDNEY DISEASE, INFANTILE, TYPE I; Autosomal Recessive Polycystic Kidney Disease – PKHD1; POLYCYSTIC KIDNEY DISEASE 4 WITH OR WITHOUT POLYCYSTIC LIVER DISEASE; PKD3. Identifiers: MedGen C4540575, MONDO:0033004, OMIM 263200.
Autosomal recessive polycystic kidney disease (ARPKD). Also called: AR polycystic kidney disease. Identifiers: Orphanet 731, Orphanet 8378, MedGen C0085548, MeSH D017044, MONDO:0009889.
PKHD1-related disorder. Also called: PKHD1-related condition.

gnomAD v4.1: 7 of 1,613,764 alleles (0.00043%); highest among the groups gnomAD compares: Admixed American, 0.012%; no homozygotes.

Submissions (3):

Labcorp Genetics (formerly Invitae), Labcorp
Classification: Uncertain significance for Autosomal recessive polycystic kidney disease. Last evaluated: 2025-07-10. Review status: criteria provided, single submitter. Criteria: Invitae Variant Classification Sherloc (09022015). Collection method: clinical testing. Allele origin: germline.
Comment: This sequence change replaces glutamic acid, which is acidic and polar, with valine, which is neutral and non-polar, at codon 1805 of the PKHD1 protein (p.Glu1805Val). This variant is present in population databases (rs377674026, gnomAD 0.02%). This variant has not been reported in the literature in individuals affected with PKHD1-related conditions. ClinVar contains an entry for this variant (Variation ID: 3352199). Invitae Evidence Modeling of protein sequence and biophysical properties (such as structural, functional, and spatial information, amino acid conservation, physicochemical variation, residue mobility, and thermodynamic stability) indicates that this missense variant is not expected to disrupt PKHD1 protein function with a negative predictive value of 95%. In summary, the available evidence is currently insufficient to determine the role of this variant in disease. Therefore, it has been classified as a Variant of Uncertain Significance.

Fulgent Genetics
Classification: Uncertain significance for Polycystic kidney disease 4. Last evaluated: 2024-03-20. Review status: criteria provided, single submitter. Criteria: ACMG Guidelines, 2015. Collection method: clinical testing. Allele origin: germline.

PreventionGenetics, part of Exact Sciences
Classification: Uncertain significance for PKHD1-related condition. Last evaluated: 2024-07-31. Review status: no assertion criteria provided. Collection method: clinical testing. Allele origin: germline. Not counted in ClinVar's aggregate classification.
Comment: The PKHD1 c.5414A>T variant is predicted to result in the amino acid substitution p.Glu1805Val. To our knowledge, this variant has not been reported in the literature. This variant is reported in 0.017% of alleles in individuals of Latino descent in gnomAD. At this time, the clinical significance of this variant is uncertain due to the absence of conclusive functional and genetic evidence.